The following is an entry in ClinVar:

ClinVar aggregate classification (germline): Uncertain significance (1 of 4 stars; one submission).

Conditions:
Joubert syndrome 18 (JBTS18). Identifiers: Orphanet 2754, MedGen C3553758, MONDO:0013896, OMIM 614815.
Orofacial-digital syndrome IV (OFD4). Also called: BARAITSER-BURN SYNDROME; OFD SYNDROME WITH TIBIAL DEFECTS; OFD SYNDROME, BARAITSER-BURN TYPE; OFDS IV; ORAL-FACIAL-DIGITAL SYNDROME, TYPE IV; Orofaciodigital syndrome IV. Identifiers: Orphanet 2753, MedGen C0406727, MONDO:0009794, OMIM 258860.

gnomAD v4.1: 8 of 1,614,162 alleles (0.0005%); highest among the groups gnomAD compares: South Asian, 0.0088%; no homozygotes.

Submission:

Labcorp Genetics (formerly Invitae), Labcorp
Classification: Uncertain significance for Joubert syndrome 18; Orofacial-digital syndrome IV. Last evaluated: 2022-04-25. Review status: criteria provided, single submitter. Criteria: Invitae Variant Classification Sherloc (09022015). Collection method: clinical testing. Allele origin: germline.
Comment: This variant has not been reported in the literature in individuals affected with TCTN3-related conditions. In summary, the available evidence is currently insufficient to determine the role of this variant in disease. Therefore, it has been classified as a Variant of Uncertain Significance. Algorithms developed to predict the effect of missense changes on protein structure and function output the following: SIFT: "Tolerated"; PolyPhen-2: "Possibly Damaging"; Align-GVGD: "Class C0". The phenylalanine amino acid residue is found in multiple mammalian species, which suggests that this missense change does not adversely affect protein function. This variant is not present in population databases (gnomAD no frequency). This sequence change replaces leucine, which is neutral and non-polar, with phenylalanine, which is neutral and non-polar, at codon 592 of the TCTN3 protein (p.Leu592Phe).

NM_015631.6(TCTN3):c.1774C>T (p.Leu592Phe)

Gene: TCTN3 (tectonic family member 3; minus strand). Cytogenetic location: 10q24.1.
Variant type: single nucleotide variant.
Coding change: c.1774C>T on transcript NM_015631.6 (MANE Select); coding-DNA position 1774, C replaced by T.
Protein change: p.Leu592Phe; replaces leucine 592 with phenylalanine.
Molecular consequence: missense variant.
Genome position (GRCh38, 1-based): chr10:95,664,117, G>A on the plus strand (C>T on the coding strand, the complement: TCTN3 is on the minus strand). VCF-style: chr10-95664117-G-A. GRCh37 (hg19) VCF-style: chr10-97423874-G-A.
Other names: c.1828C>T, p.Leu610Phe (NM_001013840.1); c.1330C>T, p.Leu444Phe (NM_001143973.2); c.1678C>T, p.Leu560Phe (NM_001410982.1); short protein forms L610F, L444F, L560F, L592F.
Identifiers: ClinVar variation 2064122 (VCV002064122.4), dbSNP rs375708075, ClinGen allele CA377698735.